The following is an entry in ClinVar:

ClinVar aggregate classification (germline): Uncertain significance (1 of 4 stars; one submission).

Conditions:
Developmental and epileptic encephalopathy, 30 (DEE30). Also called: Epileptic encephalopathy, early infantile, 30. Identifiers: MedGen C4225360, MONDO:0014595, OMIM 616341.

Submission:

Labcorp Genetics (formerly Invitae), Labcorp
Classification: Uncertain significance for Developmental and epileptic encephalopathy, 30. Last evaluated: 2023-06-14. Review status: criteria provided, single submitter. Criteria: Invitae Variant Classification Sherloc (09022015). Collection method: clinical testing. Allele origin: germline.
Comment: This variant is not present in population databases (gnomAD no frequency). This sequence change replaces glycine, which is neutral and non-polar, with tryptophan, which is neutral and slightly polar, at codon 451 of the SIK1 protein (p.Gly451Trp). This variant has not been reported in the literature in individuals affected with SIK1-related conditions. In summary, the available evidence is currently insufficient to determine the role of this variant in disease. Therefore, it has been classified as a Variant of Uncertain Significance. Advanced modeling of protein sequence and biophysical properties (such as structural, functional, and spatial information, amino acid conservation, physicochemical variation, residue mobility, and thermodynamic stability) performed at Invitae indicates that this missense variant is not expected to disrupt SIK1 protein function.

NM_173354.5(SIK1):c.1351G>T (p.Gly451Trp)

Gene: SIK1 (salt inducible kinase 1; minus strand). Cytogenetic location: 21q22.3.
Variant type: single nucleotide variant.
Coding change: c.1351G>T on transcript NM_173354.5 (MANE Select); coding-DNA position 1351, G replaced by T.
Protein change: p.Gly451Trp; replaces glycine 451 with tryptophan.
Molecular consequence: missense variant.
Genome position (GRCh38, 1-based): chr21:43,419,132, C>A on the plus strand (G>T on the coding strand, the complement: SIK1 is on the minus strand). VCF-style: chr21-43419132-C-A. GRCh37 (hg19) VCF-style: chr21-44839012-C-A.
Other names: short protein forms G451W.
Identifiers: ClinVar variation 3001847 (VCV003001847.3), dbSNP rs2516965808, ClinGen allele CA410608188.